The following is an entry in ClinVar:

ClinVar aggregate classification (germline): Uncertain significance. Review status: criteria provided, multiple submitters, no conflicts (2 of 4 stars). 2 submissions from 2 submitters: Uncertain significance (2). Last evaluated 2026-08-06.

Conditions:
Inborn genetic diseases. Identifiers: MedGen C0950123, MeSH D030342.

Allele frequency attached by ClinVar (database versions not stated): gnomAD exomes below 0.00001; TOPMed 0.00001.
gnomAD v4.1: 4 of 1,589,920 alleles (0.00025%); highest among the groups gnomAD compares: African/African-American, 0.0013%; no homozygotes.

Submissions (2):

OLLIN Analises Genomicas, OLLIN
Classification: Uncertain significance. Last evaluated: 2026-08-06. Review status: criteria provided, single submitter. Criteria: ACMG Guidelines 2015 PMID 25741868. Collection method: clinical testing. Allele origin: germline.
Comment: This missense variant, located in exon 53 (of 53), has been reported in ClinVar (accession VCV003085005.1) and in gnomAD with an allele frequency of 0.00025%. However, to our knowledge, it has not been reported in the scientific literature. In silico analysis predicts that this variant has a tolerated effect. According to the currently available evidence, this variant has been classified as uncertain significance (PM2_P, BP4_M).

Ambry Genetics
Classification: Uncertain significance for Inborn genetic diseases. Last evaluated: 2023-12-21. Review status: criteria provided, single submitter. Criteria: Ambry Variant Classification Scheme 2023. Collection method: clinical testing. Allele origin: germline.

NM_004947.5(DOCK3):c.6014G>A (p.Arg2005His)

Gene: DOCK3 (dedicator of cytokinesis 3; plus strand). Cytogenetic location: 3p21.2.
Variant type: single nucleotide variant.
Coding change: c.6014G>A on transcript NM_004947.5 (MANE Select); coding-DNA position 6014, G replaced by A.
Protein change: p.Arg2005His; replaces arginine 2005 with histidine.
Molecular consequence: missense variant.
Genome position (GRCh38, 1-based): chr3:51,381,480, G>A. VCF-style: chr3-51381480-G-A. GRCh37 (hg19) VCF-style: chr3-51418911-G-A.
Other names: short protein forms R2005H.
Identifiers: ClinVar variation 3085005 (VCV003085005.2), dbSNP rs1409009150, ClinGen allele CA352978680.